The following is an entry in ClinVar:

NM_005006.7(NDUFS1):c.1564C>A (p.Gln522Lys)

Gene: NDUFS1 (NADH:ubiquinone oxidoreductase core subunit S1; minus strand). Cytogenetic location: 2q33.3.
Variant type: single nucleotide variant.
Coding change: c.1564C>A on transcript NM_005006.7 (MANE Select); coding-DNA position 1564, C replaced by A.
Protein change: p.Gln522Lys; replaces glutamine 522 with lysine.
Molecular consequence: missense variant.
Genome position (GRCh38, 1-based): chr2:206,130,232, G>T on the plus strand (C>A on the coding strand, the complement: NDUFS1 is on the minus strand). VCF-style: chr2-206130232-G-T. GRCh37 (hg19) VCF-style: chr2-206994956-G-T.
Other names: c.1456C>A, p.Gln486Lys (NM_001199981.2); c.1231C>A, p.Gln411Lys (NM_001199982.2); c.1393C>A, p.Gln465Lys (NM_001199983.2); c.1606C>A, p.Gln536Lys (NM_001199984.2); c.1564C>A (NM_005006.5); short protein forms Q411K, Q465K, Q486K, Q536K, Q522K.
Identifiers: ClinVar variation 3720401 (VCV003720401.3).

ClinVar aggregate classification (germline): Likely pathogenic. Review status: criteria provided, multiple submitters, no conflicts (2 of 4 stars). 2 submissions from 2 submitters: Likely pathogenic (2). Last evaluated 2025-07-30.

Submissions (2):

GeneDx
Classification: Likely pathogenic. Last evaluated: 2025-07-30. Review status: criteria provided, single submitter. Criteria: GeneDx Variant Classification Process June 2021. Collection method: clinical testing. Allele origin: germline. Affected: yes.
Comment: Not observed at significant frequency in large population cohorts (gnomAD); In silico analysis supports that this missense variant has a deleterious effect on protein structure/function; This variant is associated with the following publications: (PMID: 19210954, 16478720, 15576045, 16870178, 23562761, 22272371)

Labcorp Genetics (formerly Invitae), Labcorp
Classification: Likely pathogenic. Last evaluated: 2024-10-30. Review status: criteria provided, single submitter. Criteria: Invitae Variant Classification Sherloc (09022015). Collection method: clinical testing. Allele origin: germline.
Comment: This sequence change replaces glutamine, which is neutral and polar, with lysine, which is basic and polar, at codon 522 of the NDUFS1 protein (p.Gln522Lys). This variant is not present in population databases (gnomAD no frequency). This missense change has been observed in individual(s) with mitochondrial complex I deficiency (PMID: 15576045). It has also been observed to segregate with disease in related individuals. Invitae Evidence Modeling of protein sequence and biophysical properties (such as structural, functional, and spatial information, amino acid conservation, physicochemical variation, residue mobility, and thermodynamic stability) indicates that this missense variant is expected to disrupt NDUFS1 protein function with a positive predictive value of 95%. In summary, the currently available evidence indicates that the variant is pathogenic, but additional data are needed to prove that conclusively. Therefore, this variant has been classified as Likely Pathogenic.

Literature cited by the submitters: PubMed 15576045 (cited by Labcorp Genetics (formerly Invitae), Labcorp).